The following is an entry in ClinVar:

NM_001025603.2(RFX5):c.778C>T (p.Arg260Trp)

Gene: RFX5 (regulatory factor X5; minus strand). Cytogenetic location: 1q21.3.
Variant type: single nucleotide variant.
Coding change: c.778C>T on transcript NM_001025603.2 (MANE Select); coding-DNA position 778, C replaced by T.
Protein change: p.Arg260Trp; replaces arginine 260 with tryptophan.
Molecular consequence: missense variant.
Genome position (GRCh38, 1-based): chr1:151,343,422, G>A on the plus strand (C>T on the coding strand, the complement: RFX5 is on the minus strand). VCF-style: chr1-151343422-G-A. GRCh37 (hg19) VCF-style: chr1-151315898-G-A.
Other names: c.778C>T, p.Arg260Trp (NM_000449.4, NM_001379412.1, NM_001379413.1 and 5 more transcripts); c.658C>T, p.Arg220Trp (NM_001379419.1, NM_001379420.1); short protein forms R260W, R220W.
Identifiers: ClinVar variation 655664 (VCV000655664.6), dbSNP rs573462368, ClinGen allele CA1089748.
Genomic context (GRCh38, chr1:151,343,422, plus strand): 5'-TCTTGTGGGCTCCACCCTCTGGGTTCTCTAAACCATTCTTTGGTTTAGATGACCGTTCCC[G>A]AGGTGCATGTTCGTCCTCTTCTGCAGAGGTACCAAAAAGGTAATAGAGTGAAGGTGAGGA-3'
Protein context (NP_001020774.1, residues 250-270): GLAEEDEHAP[Arg260Trp]ERSSKPKNGL

ClinVar aggregate classification (germline): Uncertain significance. Review status: criteria provided, multiple submitters, no conflicts (2 of 4 stars). 3 submissions from 3 submitters: Uncertain significance (3). Last evaluated 2025-10-08.

Conditions:
MHC class II deficiency. Also called: Bare lymphocyte syndrome 2; BLS, TYPE II. Identifiers: Orphanet 572, MedGen C5447452, MONDO:0008855.

Allele frequency attached by ClinVar (database versions not stated): gnomAD exomes 0.00002; ExAC 0.00003; gnomAD 0.00003; TOPMed 0.00003; 1000 Genomes Project 30x 0.00016; 1000 Genomes Project 0.00020.

Submissions (3):

Labcorp Genetics (formerly Invitae), Labcorp
Classification: Uncertain significance for MHC class II deficiency. Last evaluated: 2025-10-08. Review status: criteria provided, single submitter. Criteria: Invitae Variant Classification Sherloc (09022015). Collection method: clinical testing. Allele origin: germline.
Comment: This sequence change replaces arginine, which is basic and polar, with tryptophan, which is neutral and slightly polar, at codon 260 of the RFX5 protein (p.Arg260Trp). This variant is present in population databases (rs573462368, gnomAD 0.006%). This variant has not been reported in the literature in individuals affected with RFX5-related conditions. ClinVar contains an entry for this variant (Variation ID: 655664). An algorithm developed to predict the effect of missense changes on protein structure and function (PolyPhen-2) suggests that this variant is likely to be disruptive. In summary, the available evidence is currently insufficient to determine the role of this variant in disease. Therefore, it has been classified as a Variant of Uncertain Significance.

Genome-Nilou Lab
Classification: Uncertain significance for MHC class II deficiency 1. Last evaluated: 2023-04-11. Review status: criteria provided, single submitter. Criteria: ACMG Guidelines, 2015. Collection method: clinical testing. Allele origin: germline. Affected: no.

Ambry Genetics
Classification: Uncertain significance. Last evaluated: 2021-12-03. Review status: criteria provided, single submitter. Criteria: Ambry Variant Classification Scheme 2023. Collection method: clinical testing. Allele origin: germline.